The following is an entry in ClinVar:

ClinVar aggregate classification (germline): Uncertain significance (1 of 4 stars; one submission).

Submission:

GeneDx
Classification: Uncertain significance. Last evaluated: 2022-11-10. Review status: criteria provided, single submitter. Criteria: GeneDx Variant Classification Process June 2021. Collection method: clinical testing. Allele origin: germline. Affected: yes.
Comment: Not observed at significant frequency in large population cohorts (gnomAD); In silico analysis supports that this missense variant does not alter protein structure/function; Has not been previously published as pathogenic or benign to our knowledge

NM_018082.6(POLR3B):c.955A>G (p.Thr319Ala)

Gene: POLR3B (RNA polymerase III subunit B; plus strand). Cytogenetic location: 12q23.3.
Variant type: single nucleotide variant.
Coding change: c.955A>G on transcript NM_018082.6 (MANE Select); coding-DNA position 955, A replaced by G.
Protein change: p.Thr319Ala; replaces threonine 319 with alanine.
Molecular consequence: missense variant.
Genome position (GRCh38, 1-based): chr12:106,405,965, A>G. VCF-style: chr12-106405965-A-G. GRCh37 (hg19) VCF-style: chr12-106799743-A-G.
Other names: c.781A>G, p.Thr261Ala (NM_001160708.2); short protein forms T261A, T319A.
Identifiers: ClinVar variation 2501970 (VCV002501970.1), dbSNP rs2542063079, ClinGen allele CA386386499.